The following is an entry in ClinVar:

ClinVar aggregate classification (germline): Likely benign (0 of 4 stars; one submission).

Conditions:
CACNA1A-related disorder. Also called: CACNA1A-related condition.

gnomAD v4.1: 4 of 1,510,606 alleles (0.00026%); highest among the groups gnomAD compares: South Asian, 0.0037%; no homozygotes.

Submission:

PreventionGenetics, part of Exact Sciences
Classification: Likely benign for CACNA1A-related condition. Last evaluated: 2023-09-05. Review status: no assertion criteria provided. Collection method: clinical testing. Allele origin: germline.
Comment: This variant is classified as likely benign based on ACMG/AMP sequence variant interpretation guidelines (Richards et al. 2015 PMID: 25741868, with internal and published modifications).

NM_001127222.2(CACNA1A):c.2883C>T (p.His961=)

Gene: CACNA1A (calcium voltage-gated channel subunit alpha1 A; minus strand). Cytogenetic location: 19p13.13.
Variant type: single nucleotide variant.
Coding change: c.2883C>T on transcript NM_001127222.2 (MANE Select); coding-DNA position 2883, C replaced by T.
Protein change: p.His961=; no amino-acid change (histidine 961 retained).
Molecular consequence: synonymous variant.
Genome position (GRCh38, 1-based): chr19:13,298,750, G>A on the plus strand (C>T on the coding strand, the complement: CACNA1A is on the minus strand). VCF-style: chr19-13298750-G-A. GRCh37 (hg19) VCF-style: chr19-13409564-G-A.
Other names: c.2895C>T, p.His965= (NM_000068.4, NM_023035.3); c.2886C>T, p.His962= (NM_001127221.2, NM_001174080.2).
Identifiers: ClinVar variation 3055704 (VCV003055704.2), dbSNP rs1402547467, ClinGen allele CA505784794.
Genomic context (GRCh38, chr19:13,298,750, plus strand): 5'-CTCGCGGTGCCGCGCCCTCCGCTCCGCCTTGTCCTCCGGACCCTCCTCCCCGGGCCTGCG[G>A]TGCGCGCGATGACGTCGATGCTCCCCGTCCGCGCCCGTGCGCGGGGACCCGCTGCGGCTC-3'
Protein context (NP_001120694.1, residues 951-971): ADGEHRRHRA[His961=]RRPGEEGPED